The following is an entry in ClinVar:

ClinVar aggregate classification (germline): Uncertain significance (1 of 4 stars; one submission).

Conditions:
Baller-Gerold syndrome (BGS). Also called: CRANIOSYNOSTOSIS WITH RADIAL DEFECTS. Identifiers: Orphanet 1225, MedGen C0265308, MONDO:0009039, OMIM 218600.

Submission:

Labcorp Genetics (formerly Invitae), Labcorp
Classification: Uncertain significance for Baller-Gerold syndrome. Last evaluated: 2024-04-08. Review status: criteria provided, single submitter. Criteria: Invitae Variant Classification Sherloc (09022015). Collection method: clinical testing. Allele origin: germline.
Comment: This sequence change replaces valine, which is neutral and non-polar, with leucine, which is neutral and non-polar, at codon 849 of the RECQL4 protein (p.Val849Leu). This variant is not present in population databases (gnomAD no frequency). This variant has not been reported in the literature in individuals affected with RECQL4-related conditions. ClinVar contains an entry for this variant (Variation ID: 1055821). Advanced modeling of protein sequence and biophysical properties (such as structural, functional, and spatial information, amino acid conservation, physicochemical variation, residue mobility, and thermodynamic stability) performed at Invitae indicates that this missense variant is not expected to disrupt RECQL4 protein function with a negative predictive value of 80%. In summary, the available evidence is currently insufficient to determine the role of this variant in disease. Therefore, it has been classified as a Variant of Uncertain Significance.

NM_004260.4(RECQL4):c.2545G>C (p.Val849Leu)

Gene: RECQL4 (RecQ like helicase 4; minus strand). Cytogenetic location: 8q24.3.
Variant type: single nucleotide variant.
Coding change: c.2545G>C on transcript NM_004260.4 (MANE Select); coding-DNA position 2545, G replaced by C.
Protein change: p.Val849Leu; replaces valine 849 with leucine.
Molecular consequence: missense variant.
Genome position (GRCh38, 1-based): chr8:144,513,057, C>G on the plus strand (G>C on the coding strand, the complement: RECQL4 is on the minus strand). VCF-style: chr8-144513057-C-G. GRCh37 (hg19) VCF-style: chr8-145738440-C-G.
Other names: short protein forms V849L.
Identifiers: ClinVar variation 1055821 (VCV001055821.5), dbSNP rs201661055, ClinGen allele CA372677085.
Genomic context (GRCh38, chr8:144,513,057, plus strand): 5'-CCACGGCCCCTTCCTGCTCCGAGGGCGGCCTGGTGCAGGTGCAGGTGCAGGCTGGGAACA[C>G]GCGCTGTACCAGCCTCTTCACAGCCAGGAAGTCCGTGCTGTCGGCGTGCACATGTCTGCG-3'
Protein context (NP_004251.4, residues 839-859): FLAVKRLVQR[Val849Leu]FPACTCTCTR